The following is an entry in ClinVar:

ClinVar aggregate classification (germline): Pathogenic (1 of 4 stars; one submission).

Submission:

Labcorp Genetics (formerly Invitae), Labcorp
Classification: Pathogenic. Last evaluated: 2022-08-22. Review status: criteria provided, single submitter. Criteria: Invitae Variant Classification Sherloc (09022015). Collection method: clinical testing. Allele origin: germline.
Comment: For these reasons, this variant has been classified as Pathogenic. This variant has not been reported in the literature in individuals affected with ANK1-related conditions. This variant is not present in population databases (gnomAD no frequency). This sequence change creates a premature translational stop signal (p.Thr14Profs*4) in the ANK1 gene. It is expected to result in an absent or disrupted protein product. Loss-of-function variants in ANK1 are known to be pathogenic (PMID: 8640229).

Literature cited by the submitters: PubMed 8640229.

NM_000037.4(ANK1):c.40del (p.Thr14fs)

Gene: ANK1 (ankyrin 1; minus strand). Cytogenetic location: 8p11.21.
Variant type: Deletion.
Coding change: c.40del on transcript NM_000037.4 (MANE Select); coding-DNA position 40, one base deleted (A; older notation c.40delA).
Protein change: p.Thr14fs; shifts the reading frame from threonine 14.
Molecular consequence: frameshift variant.
Genome position (GRCh38, 1-based): chr8:41,758,125, T deleted on the plus strand (A on the coding strand, the reverse complement: ANK1 is on the minus strand). VCF-style (leftmost placement, unchanged base first): chr8-41758124-GT-G. GRCh37 (hg19) VCF-style: chr8-41615642-GT-G.
Other names: c.139del, p.Thr47fs (NM_001142446.2); c.40del, p.Thr14fs (NM_020475.3, NM_020476.3, NM_020477.3); short protein forms T14fs, T47fs.
Identifiers: ClinVar variation 2026430 (VCV002026430.4), dbSNP rs2487161354, ClinGen allele CA2580078273.